The following continues an entry in ClinVar:

NM_000059.4(BRCA2):c.6986C>T (p.Pro2329Leu)

Gene: BRCA2. ClinVar aggregate classification (germline): Conflicting classifications of pathogenicity. Uncertain significance (9); Likely benign (2).

Submissions 9 to 15 of 15:

Institute for Genomic Medicine (IGM) Clinical Laboratory, Nationwide Children's Hospital
Classification: Uncertain significance for Hereditary cancer-predisposing syndrome. Last evaluated: 2023-04-05. Review status: criteria provided, single submitter. Criteria: ACMG Guidelines, 2015. Collection method: clinical testing. Allele origin: germline.
Comment: This variant is absent from or present at an exceedingly low frequency in gnomAD, a large-scale control population database (ACMG/AMP: PM2). This variant is predicted to alter protein function or structure, or disrupt splicing by multiple in silico tools (ACMG/AMP: PP3). This variant results in a missense alteration in a gene for which primarily truncating variants are known to cause disease (ACMG/AMP: BP1).

CHEO Genetics Diagnostic Laboratory, Children's Hospital of Eastern Ontario
Classification: Uncertain significance for Breast and/or ovarian cancer. Last evaluated: 2023-01-26. Review status: criteria provided, single submitter. Criteria: ACMG Guidelines, 2015. Collection method: clinical testing. Allele origin: germline.

GeneDx
Classification: Uncertain significance. Last evaluated: 2022-12-02. Review status: criteria provided, single submitter. Criteria: GeneDx Variant Classification Process June 2021. Collection method: clinical testing. Allele origin: germline. Affected: yes.
Comment: Observed in individuals with a personal and/or family history of breast and/or ovarian cancer (Wong et al., 2016; Zidan et al., 2017; Kwong et al., 2020; Abdel-Razeq et al., 2022); Published functional studies demonstrate abolished HSF2BP binding and an intermediate effect on PARP sensitivity (Ikegami et al., 2020; Ghouil et al., 2021); In silico analysis supports that this missense variant has a deleterious effect on protein structure/function; Not observed at significant frequency in large population cohorts (gnomAD); Also known as 7214C>T; This variant is associated with the following publications: (PMID: 22921312, 26221963, 31131967, 32444794, 34326328, 28828701, 29263802, 10923033, 28277317, 32068069, 33471991, 32467295, 35402282)

Counsyl
Classification: Uncertain significance for Breast-ovarian cancer, familial, susceptibility to, 2. Last evaluated: 2018-02-28. Review status: no assertion criteria provided. Collection method: clinical testing. Allele origin: unknown. Not counted in ClinVar's aggregate classification.

Sharing Clinical Reports Project (SCRP)
Classification: Likely benign for Breast-ovarian cancer, familial 2. Last evaluated: 2012-04-23. Review status: no assertion criteria provided. Collection method: clinical testing. Allele origin: germline. Not counted in ClinVar's aggregate classification.

Breast Cancer Information Core (BIC) (BRCA2)
Classification: Uncertain significance for Breast-ovarian cancer, familial 2. Last evaluated: 2002-06-20. Review status: no assertion criteria provided. Collection method: clinical testing. Allele origin: germline. Affected: yes. Observed: 3 variant alleles. Not counted in ClinVar's aggregate classification.

Department of Pathology and Laboratory Medicine, Sinai Health System
Classification: Uncertain significance for Malignant tumor of breast. Review status: no assertion criteria provided. Collection method: clinical testing. Allele origin: unknown. Affected: yes. Study: The Canadian Open Genetics Repository (COGR). Not counted in ClinVar's aggregate classification.
Comment: The BRCA2 p.Pro2329Leu variant was identified in 2 of 1158 proband chromosomes (frequency: 0.002) from individuals or families with breast cancer (Wong 2015, Wong 2016). The variant was also identified in dbSNP (ID: rs80358925) as "With Uncertain significance, other allele", ClinVar (classified as likely benign by GeneDx and SCRP; as uncertain significance by Ambry Genetics, Counsyl, Invitae, BIC and two clinical laboratories), UMD-LSDB (1x as unclassified variant), and in BIC Database (3x with unknown significance). The variant was not identified in COGR, Cosmic, MutDB, LOVD 3.0, ARUP Laboratories, or Zhejiang University Database. The variant was identified in control databases in 1 of 245002 chromosomes at a frequency of 0.000004 (Genome Aggregation Database Feb 27, 2017). The variant was observed in the European population in 1 of 111266 chromosomes (freq: 0.000009), while the variant was not observed in the African, Other, Latino, Ashkenazi Jewish, East Asian, Finnish, or South Asian populations. The p.Pro2329 residue is conserved in mammals but not in more distantly related organisms, and four out of five computational analyses (PolyPhen-2, SIFT, AlignGVGD, BLOSUM, MutationTaster) suggest that the variant may impact the protein; however, this information is not predictive enough to assume pathogenicity. The variant occurs outside of the splicing consensus sequence and in silico or computational prediction software programs (SpliceSiteFinder, MaxEntScan, NNSPLICE, GeneSplicer) do not predict a difference in splicing. In summary, based on the above information the clinical significance of this variant cannot be determined with certainty at this time. This variant is classified as a variant of uncertain significance.

Literature cited by the submitters: PubMed 26221963 (cited by 5 submitters); PubMed 28828701 (cited by 4 submitters); PubMed 31131967 (cited by Color Diagnostics, LLC DBA Color Health); PubMed 31214711 (cited by 3 submitters); PubMed 31853058 (cited by Color Diagnostics, LLC DBA Color Health); PubMed 32444794 (cited by 3 submitters); PubMed 33471991 (cited by 4 submitters); PubMed 35402282 (cited by 3 submitters); PubMed 22921312 (cited by 3 submitters); PubMed 32885271 (cited by Quest Diagnostics Nichols Institute San Juan Capistrano and Ambry Genetics); PubMed 29263802 (cited by Ambry Genetics).